The following is an entry in ClinVar:

NM_015135.3(NUP205):c.1002G>A (p.Ala334=)

Gene: NUP205 (nucleoporin 205; plus strand). Cytogenetic location: 7q33.
Variant type: single nucleotide variant.
Coding change: c.1002G>A on transcript NM_015135.3 (MANE Select); coding-DNA position 1002, G replaced by A.
Protein change: p.Ala334=; no amino-acid change (alanine 334 retained).
Molecular consequence: synonymous variant. On other transcripts: 5 prime UTR variant (1).
Genome position (GRCh38, 1-based): chr7:135,578,875, G>A. VCF-style: chr7-135578875-G-A. GRCh37 (hg19) VCF-style: chr7-135263623-G-A.
Other names: c.-84G>A (NM_001329434.2).
Identifiers: ClinVar variation 3055095 (VCV003055095.2), dbSNP rs753066141, ClinGen allele CA4497985.

ClinVar aggregate classification (germline): Likely benign (0 of 4 stars; one submission).

Conditions:
NUP205-related disorder. Also called: NUP205-related condition.

Allele frequency attached by ClinVar (database versions not stated): gnomAD 0.00001; ExAC 0.00003.
gnomAD v4.1: 34 of 1,609,126 alleles (0.0021%); highest among the groups gnomAD compares: Admixed American, 0.0051%; no homozygotes.

Submission:

PreventionGenetics, part of Exact Sciences
Classification: Likely benign for NUP205-related condition. Last evaluated: 2020-05-18. Review status: no assertion criteria provided. Collection method: clinical testing. Allele origin: germline.
Comment: This variant is classified as likely benign based on ACMG/AMP sequence variant interpretation guidelines (Richards et al. 2015 PMID: 25741868, with internal and published modifications).